The following is an entry in ClinVar:

NM_006306.4(SMC1A):c.2717C>T (p.Thr906Ile)

Gene: SMC1A (structural maintenance of chromosomes 1A; minus strand). Cytogenetic location: Xp11.22.
Variant type: single nucleotide variant.
Coding change: c.2717C>T on transcript NM_006306.4 (MANE Select); coding-DNA position 2717, C replaced by T.
Protein change: p.Thr906Ile; replaces threonine 906 with isoleucine.
Molecular consequence: missense variant.
Genome position (GRCh38, 1-based): chrX:53,396,372, G>A on the plus strand (C>T on the coding strand, the complement: SMC1A is on the minus strand). VCF-style: chrX-53396372-G-A. GRCh37 (hg19) VCF-style: chrX-53423292-G-A.
Other names: c.2651C>T, p.Thr884Ile (NM_001281463.1); short protein forms T884I, T906I.
Identifiers: ClinVar variation 1347988 (VCV001347988.6), dbSNP rs2146593520, ClinGen allele CA413248372.

ClinVar aggregate classification (germline): Uncertain significance (1 of 4 stars; one submission).

Conditions:
Congenital muscular hypertrophy-cerebral syndrome (CDLS2). Also called: Cornelia de Lange syndrome 2; SMC1A-Related Cornelia de Lange Syndrome. Identifiers: Orphanet 199, MedGen C1802395, MONDO:0010370, OMIM 300590.

Submission:

Labcorp Genetics (formerly Invitae), Labcorp
Classification: Uncertain significance for Congenital muscular hypertrophy-cerebral syndrome. Last evaluated: 2024-10-16. Review status: criteria provided, single submitter. Criteria: Invitae Variant Classification Sherloc (09022015). Collection method: clinical testing. Allele origin: germline.
Comment: This sequence change replaces threonine, which is neutral and polar, with isoleucine, which is neutral and non-polar, at codon 906 of the SMC1A protein (p.Thr906Ile). This variant is not present in population databases (gnomAD no frequency). This variant has not been reported in the literature in individuals affected with SMC1A-related conditions. ClinVar contains an entry for this variant (Variation ID: 1347988). Invitae Evidence Modeling of protein sequence and biophysical properties (such as structural, functional, and spatial information, amino acid conservation, physicochemical variation, residue mobility, and thermodynamic stability) indicates that this missense variant is not expected to disrupt SMC1A protein function with a negative predictive value of 80%. In summary, the available evidence is currently insufficient to determine the role of this variant in disease. Therefore, it has been classified as a Variant of Uncertain Significance.